The following is an entry in ClinVar:

ClinVar aggregate classification (germline): Uncertain significance (1 of 4 stars; one submission).

Conditions:
Primary ciliary dyskinesia. Also called: Ciliary dyskinesia. Identifiers: Orphanet 244, MedGen C0008780, MONDO:0016575, HP:0012265.

Submission:

Labcorp Genetics (formerly Invitae), Labcorp
Classification: Uncertain significance for Primary ciliary dyskinesia. Last evaluated: 2022-12-22. Review status: criteria provided, single submitter. Criteria: Invitae Variant Classification Sherloc (09022015). Collection method: clinical testing. Allele origin: germline.
Comment: In summary, the available evidence is currently insufficient to determine the role of this variant in disease. Therefore, it has been classified as a Variant of Uncertain Significance. Variants that disrupt the consensus splice site are a relatively common cause of aberrant splicing (PMID: 17576681, 9536098). Algorithms developed to predict the effect of sequence changes on RNA splicing suggest that this variant may disrupt the consensus splice site. This variant has not been reported in the literature in individuals affected with DNAH8-related conditions. This variant is not present in population databases (gnomAD no frequency). This sequence change falls in intron 80 of the DNAH8 gene. It does not directly change the encoded amino acid sequence of the DNAH8 protein. It affects a nucleotide within the consensus splice site.

Literature cited by the submitters: PubMed 17576681; PubMed 9536098.

NM_001206927.2(DNAH8):c.12130-3T>G

Genes: DNAH8 (dynein axonemal heavy chain 8; plus strand), DNAH8-AS1 (DNAH8 antisense RNA 1; minus strand). Cytogenetic location: 6p21.2.
Variant type: single nucleotide variant.
Coding change: c.12130-3T>G on transcript NM_001206927.2 (MANE Select); 3 bases into the intron before coding-DNA position 12130, T replaced by G.
Molecular consequence: intron variant.
Genome position (GRCh38, 1-based): chr6:38,949,449, T>G. VCF-style: chr6-38949449-T-G. GRCh37 (hg19) VCF-style: chr6-38917225-T-G.
Other names: c.11479-3T>G (NM_001371.4).
Identifiers: ClinVar variation 2822594 (VCV002822594.3), dbSNP rs2533686527, ClinGen allele CA2739273001.